The following is an entry in ClinVar:

NM_000535.7(PMS2):c.1376C>G (p.Ser459Ter)

Gene: PMS2 (PMS1 homolog 2, mismatch repair system component; minus strand). Cytogenetic location: 7p22.1.
Variant type: single nucleotide variant.
Coding change: c.1376C>G on transcript NM_000535.7 (MANE Select); coding-DNA position 1376, C replaced by G.
Protein change: p.Ser459Ter; replaces serine 459 with a stop codon.
Molecular consequence: nonsense. On other transcripts: non-coding transcript variant (1).
Genome position (GRCh38, 1-based): chr7:5,987,389, G>C on the plus strand (C>G on the coding strand, the complement: PMS2 is on the minus strand). VCF-style: chr7-5987389-G-C. GRCh37 (hg19) VCF-style: chr7-6027020-G-C.
Other names: c.971C>G, p.Ser324Ter (NM_001322003.2, NM_001322004.2, NM_001322005.2 and 1 more transcripts); c.1220C>G, p.Ser407Ter (NM_001322006.2); c.1058C>G, p.Ser353Ter (NM_001322007.2, NM_001322008.2); c.815C>G, p.Ser272Ter (NM_001322010.2); c.443C>G, p.Ser148Ter (NM_001322011.2, NM_001322012.2); c.803C>G, p.Ser268Ter (NM_001322013.2); c.1376C>G, p.Ser459Ter (NM_001322014.2); c.1067C>G, p.Ser356Ter (NM_001322015.2); short protein forms S459*, S148*, S272*, S356*, S268*, S353*, S407*, S324*.
Identifiers: ClinVar variation 393103 (VCV000393103.22), dbSNP rs587780724, ClinGen allele CA16605348.

ClinVar aggregate classification (germline): Pathogenic. Review status: criteria provided, multiple submitters, no conflicts (2 of 4 stars). 7 submissions from 7 submitters: Pathogenic (6). 1 of the submissions does not count toward it. Last evaluated 2024-02-19.

Conditions:
Hereditary nonpolyposis colorectal neoplasms. Identifiers: MedGen C0009405, MeSH D003123.
Hereditary cancer-predisposing syndrome. Also called: Neoplastic Syndromes, Hereditary; Hereditary Cancer Syndrome; Tumor predisposition; Hereditary neoplastic syndrome. Identifiers: Orphanet 140162, MedGen C0027672, MeSH D009386, MONDO:0015356.
Lynch syndrome 4 (LYNCH4). Also called: Hereditary non-polyposis colorectal cancer, type 4; Colorectal cancer, hereditary nonpolyposis, type 4. Identifiers: Orphanet 144, MedGen C1838333, MONDO:0013699, OMIM 614337. Disease mechanism: loss of function.
Mismatch repair cancer syndrome 1 (MMRCS1). Also called: BRAIN TUMOR-POLYPOSIS SYNDROME 1; BTP1 SYNDROME; CHILDHOOD CANCER SYNDROME; MISMATCH REPAIR DEFICIENCY; MMR DEFICIENCY. Identifiers: Orphanet 252202, MedGen C5399763, MONDO:0010159, OMIM 276300. Disease mechanism: loss of function.

Allele frequency attached by ClinVar (database versions not stated): gnomAD exomes below 0.00001.
gnomAD v4.1: 2 of 1,614,214 alleles (0.00012%); highest among the groups gnomAD compares: Middle Eastern, 0.016%; no homozygotes.

Submissions (7):

KCCC/NGS Laboratory, Kuwait Cancer Control Center
Classification: Pathogenic for Lynch syndrome 4. Last evaluated: 2024-02-19. Review status: criteria provided, single submitter. Criteria: ACMG Guidelines, 2015. Collection method: clinical testing. Allele origin: germline. Inheritance: Autosomal dominant inheritance. Affected: yes. Observed: 1 heterozygote.
Comment: This sequence change creates a premature translational stop signal (p.Ser459*) in the PMS2 gene. It is expected to result in an absent or disrupted protein product. Loss-of-function variants in PMS2 are known to be pathogenic (PMID: 21376568, 24362816). This variant is not present in population databases (ExAC no frequency). This premature translational stop signal has been observed in individual(s) with T-cell lymphoblastic lymphoma (PMID: 28007021). ClinVar contains an entry for this variant (Variation ID: 393103). For these reasons, this variant has been classified as Pathogenic. Heterozygous pathogenic/likely pathogenic variants in the PMS2 cause hereditary non-polyposis colorectal cancer syndrome, also known as Lynch Syndrome.

Myriad Genetics, Inc.
Classification: Pathogenic for Lynch syndrome 4. Last evaluated: 2023-09-20. Review status: criteria provided, single submitter. Criteria: Myriad Autosomal Dominant, Autosomal Recessive and X-Linked Classification Criteria (2023). Collection method: clinical testing. Allele origin: unknown.
Comment: This variant is considered pathogenic. This variant creates a termination codon and is predicted to result in premature protein truncation.

Labcorp Genetics (formerly Invitae), Labcorp
Classification: Pathogenic for Hereditary nonpolyposis colorectal neoplasms. Last evaluated: 2020-06-03. Review status: criteria provided, single submitter. Criteria: Invitae Variant Classification Sherloc (09022015). Collection method: clinical testing. Allele origin: germline.
Comment: For these reasons, this variant has been classified as Pathogenic. Loss-of-function variants in PMS2 are known to be pathogenic (PMID: 21376568, 24362816). This variant has been reported as homozygous in an individual affected with T-cell lymphoblastic lymphoma (PMID: 28007021). ClinVar contains an entry for this variant (Variation ID: 393103). This variant is not present in population databases (ExAC no frequency). This sequence change creates a premature translational stop signal (p.Ser459*) in the PMS2 gene. It is expected to result in an absent or disrupted protein product.

Color Diagnostics, LLC DBA Color Health
Classification: Pathogenic for Hereditary cancer-predisposing syndrome. Last evaluated: 2020-01-15. Review status: criteria provided, single submitter. Criteria: ACMG Guidelines, 2015. Collection method: clinical testing. Allele origin: germline.
Comment: This variant changes 1 nucleotide in exon 11 of the PMS2 gene, creating a premature translation stop signal. This variant is expected to result in an absent or non-functional protein product. This variant has not been identified in the general population by the Genome Aggregation Database (gnomAD). Loss of PMS2 function is a known mechanism of disease. Based on the available evidence, this variant is classified as Pathogenic.

GeneDx
Classification: Pathogenic. Last evaluated: 2019-11-29. Review status: criteria provided, single submitter. Criteria: GeneDx Variant Classification Process June 2021. Collection method: clinical testing. Allele origin: germline. Affected: yes.
Comment: Nonsense variant predicted to result in protein truncation or nonsense mediated decay in a gene for which loss-of-function is a known mechanism of disease; Observed in the homozygous state in one individual with a hematologic malignancy in childhood (Oberg 2016); Truncating variants in this gene are considered pathogenic by a well-established clinical consortium and/or database; Not observed at a significant frequency in large population cohorts (Lek 2016); This variant is associated with the following publications: (PMID: 28007021, 25883011, 31130284, 32359129)

Ambry Genetics
Classification: Pathogenic for Hereditary cancer-predisposing syndrome. Last evaluated: 2018-09-07. Review status: criteria provided, single submitter. Criteria: Ambry Variant Classification Scheme 2023. Collection method: clinical testing. Allele origin: germline.
Comment: The p.S459* pathogenic mutation (also known as c.1376C>G), located in coding exon 11 of the PMS2 gene, results from a C to G substitution at nucleotide position 1376. This changes the amino acid from a serine to a stop codon within coding exon 11. The p.S459* alteration was identified in 1/10030 consecutive patients referred for evaluation by an NGS hereditary cancer panel (Susswein LR et al. Genet. Med., 2016 08;18:823-32). This alteration was also reported as homozygous in a pediatric patient with acute lymphoblastic leukemia (ALL) and constitutional mismatch repair deficiency (CMMRD) was implicated (Oberg JA et al. Genome Med, 2016 12;8:133). In addition to the clinical data presented in the literature, this alteration is expected to result in loss of function by premature protein truncation or nonsense-mediated mRNA decay. As such, this alteration is interpreted as a disease-causing mutation.

Biochemical Molecular Genetic Laboratory, King Abdulaziz Medical City
Classification: Likely pathogenic for Mismatch repair cancer syndrome 1. Last evaluated: 2019-09-26. Review status: no assertion criteria provided. Collection method: clinical testing. Allele origin: germline. Affected: yes. Not counted in ClinVar's aggregate classification.

Literature cited by the submitters: PubMed 21376568 (cited by Labcorp Genetics (formerly Invitae), Labcorp); PubMed 24362816 (cited by Labcorp Genetics (formerly Invitae), Labcorp); PubMed 28007021 (cited by Labcorp Genetics (formerly Invitae), Labcorp and Ambry Genetics); PubMed 26681312 (cited by Ambry Genetics).